The following is an entry in ClinVar:

ClinVar aggregate classification (germline): Benign (1 of 4 stars; one submission).

Allele frequency attached by ClinVar (database versions not stated): TOPMed 0.81360; 1000 Genomes Project 30x 0.81949; 1000 Genomes Project 0.81969; gnomAD 0.82663; ESP Exome Variant Server 0.82954; ExAC 0.84502; gnomAD exomes 0.86632.
gnomAD v4.1: 1,190,620 of 1,381,654 alleles (86%); highest among the groups gnomAD compares: South Asian, 91%; 514,526 homozygotes.

Submission:

Unidad de Genómica Garrahan, Hospital de Pediatría Garrahan
Classification: Benign. Last evaluated: 2024-01-24. Review status: criteria provided, single submitter. Criteria: ACMG Guidelines, 2015. Collection method: clinical testing. Allele origin: germline. Affected: no. Observed: 91 variant alleles.
Comment: This variant is classified as Benign based on local population frequency. This variant was detected in 96% of patients studied by a panel of primary immunodeficiencies. Number of patients: 91. Only high quality variants are reported.

NM_006466.4(POLR3F):c.873+38A>G

Gene: POLR3F (RNA polymerase III subunit F; plus strand). Cytogenetic location: 20p11.23.
Variant type: single nucleotide variant.
Coding change: c.873+38A>G on transcript NM_006466.4 (MANE Select); 38 bases into the intron after coding-DNA position 873, A replaced by G.
Molecular consequence: intron variant.
Genome position (GRCh38, 1-based): chr20:18,481,848, A>G. VCF-style: chr20-18481848-A-G. GRCh37 (hg19) VCF-style: chr20-18462492-A-G.
Other names: c.750+38A>G (NM_001282526.2); c.729+38A>G (NM_001410821.1).
Identifiers: ClinVar variation 2688325 (VCV002688325.2), dbSNP rs4813332, ClinGen allele CA9777635.